The following is an entry in ClinVar:

ClinVar aggregate classification (germline): Uncertain significance. Review status: criteria provided, multiple submitters, no conflicts (2 of 4 stars). 4 submissions from 4 submitters: Uncertain significance (4). Last evaluated 2025-09-08.

Conditions:
RYR1-related disorder. Also called: RYR1-related condition; RYR1-related disorders. Identifiers: MedGen CN239331.
Malignant hyperthermia, susceptibility to, 1 (MHS1). Also called: RYR1-Related Malignant Hyperthermia Susceptibility; Malignant hyperthermia suceptibility 1; Anesthesia related hyperthermia; Malignant hyperpyrexia; Fulminating hyperpyrexia; Pharmacogenic myopathy. Identifiers: Orphanet 423, MedGen C2930980, MONDO:0007783, OMIM 145600.

Allele frequency attached by ClinVar (database versions not stated): gnomAD exomes below 0.00001; TOPMed below 0.00001; ExAC 0.00001.

Submissions (4):

Color Diagnostics, LLC DBA Color Health
Classification: Uncertain significance for Malignant hyperthermia, susceptibility to, 1. Last evaluated: 2025-09-08. Review status: criteria provided, single submitter. Criteria: ACMG Guidelines, 2015. Collection method: clinical testing. Allele origin: germline.
Comment: This missense variant replaces asparagine with aspartic acid at codon 2646 of the RYR1 protein. Computational prediction suggests that this variant may not impact protein structure and function. To our knowledge, functional studies have not been reported for this variant. This variant has not been reported in individuals affected with RYR1-related disorders in the literature. This variant has been identified in 1/249460 chromosomes in the general population by the Genome Aggregation Database (gnomAD). The available evidence is insufficient to determine the role of this variant in disease conclusively. Therefore, this variant is classified as a Variant of Uncertain Significance.

All of Us Research Program, National Institutes of Health
Classification: Uncertain significance for Malignant hyperthermia, susceptibility to, 1. Last evaluated: 2023-11-30. Review status: criteria provided, single submitter. Criteria: ACMG Guidelines, 2015. Collection method: clinical testing. Allele origin: germline. Inheritance: Autosomal dominant inheritance. Observed: 1 variant allele, 1 heterozygote.
Comment: This study involves interpretation of variants in research participants for the purpose of population health screening. Participant phenotype was not available at the time of variant classification. Additional details can be found in publication PMID: 35346344, PMCID: PMC8962531

Athena Diagnostics
Classification: Uncertain significance. Last evaluated: 2022-07-14. Review status: criteria provided, single submitter. Criteria: Athena Diagnostics Criteria. Collection method: clinical testing. Allele origin: unknown.
Comment: Available data are insufficient to determine the clinical significance of the variant at this time. The frequency of this variant in the general population is uninformative in assessment of its pathogenicity. Computational tools predict that this variant is damaging.

Labcorp Genetics (formerly Invitae), Labcorp
Classification: Uncertain significance for RYR1-related disorder. Last evaluated: 2021-08-04. Review status: criteria provided, single submitter. Criteria: Invitae Variant Classification Sherloc (09022015). Collection method: clinical testing. Allele origin: germline.
Comment: This sequence change replaces asparagine with aspartic acid at codon 2646 of the RYR1 protein (p.Asn2646Asp). The asparagine residue is highly conserved and there is a small physicochemical difference between asparagine and aspartic acid. This variant is present in population databases (rs746174410, ExAC 0.002%). This variant has not been reported in the literature in individuals affected with RYR1-related conditions. Advanced modeling of protein sequence and biophysical properties (such as structural, functional, and spatial information, amino acid conservation, physicochemical variation, residue mobility, and thermodynamic stability) performed at Invitae indicates that this missense variant is not expected to disrupt RYR1 protein function. In summary, the available evidence is currently insufficient to determine the role of this variant in disease. Therefore, it has been classified as a Variant of Uncertain Significance.

NM_000540.3(RYR1):c.7936A>G (p.Asn2646Asp)

Gene: RYR1 (ryanodine receptor 1; plus strand). Cytogenetic location: 19q13.2.
Variant type: single nucleotide variant.
Coding change: c.7936A>G on transcript NM_000540.3 (MANE Select); coding-DNA position 7936, A replaced by G.
Protein change: p.Asn2646Asp; replaces asparagine 2646 with aspartic acid.
Molecular consequence: missense variant.
Genome position (GRCh38, 1-based): chr19:38,504,229, A>G. VCF-style: chr19-38504229-A-G. GRCh37 (hg19) VCF-style: chr19-38994869-A-G.
Other names: c.7936A>G, p.Asn2646Asp (NM_001042723.2); short protein forms N2646D.
Identifiers: ClinVar variation 1440730 (VCV001440730.5), dbSNP rs746174410, ClinGen allele CA071140.